The following is an entry in ClinVar:

NM_007194.4(CHEK2):c.525A>G (p.Val175=)

Gene: CHEK2 (checkpoint kinase 2; minus strand). Cytogenetic location: 22q12.1.
Variant type: single nucleotide variant.
Coding change: c.525A>G on transcript NM_007194.4 (MANE Select); coding-DNA position 525, A replaced by G.
Protein change: p.Val175=; no amino-acid change (valine 175 retained).
Molecular consequence: synonymous variant. On other transcripts: 5 prime UTR variant (2), intron variant (1).
Genome position (GRCh38, 1-based): chr22:28,725,044, T>C on the plus strand (A>G on the coding strand, the complement: CHEK2 is on the minus strand). VCF-style: chr22-28725044-T-C. GRCh37 (hg19) VCF-style: chr22-29121032-T-C.
Other names: c.654A>G, p.Val218= (NM_001005735.3, NM_001438294.1); c.-253A>G (NM_001257387.3); c.-139A>G (NM_001437942.1); c.618A>G, p.Val206= (NM_001438293.1, NM_001438295.1); c.525A>G, p.Val175= (NM_145862.3); c.445-121A>G (NM_001349956.3).
Identifiers: ClinVar variation 825591 (VCV000825591.5), dbSNP rs1601823458, ClinGen allele CA514168742.

ClinVar aggregate classification (germline): Benign/Likely benign. Review status: criteria provided, multiple submitters, no conflicts (2 of 4 stars). 2 submissions from 2 submitters: Benign (1); Likely benign (1). Last evaluated 2024-10-02.

Conditions:
Familial cancer of breast. Also called: BREAST CANCER, FAMILIAL; Hereditary breast cancer; hereditary breast carcinoma. Identifiers: Orphanet 227535, MedGen C0346153, MONDO:0016419, OMIM 114480. Disease mechanism: loss of function.
Hereditary cancer-predisposing syndrome. Also called: Neoplastic Syndromes, Hereditary; Tumor predisposition; Hereditary neoplastic syndrome; Hereditary Cancer Syndrome. Identifiers: Orphanet 140162, MedGen C0027672, MeSH D009386, MONDO:0015356.

Submissions (2):

Myriad Genetics, Inc.
Classification: Benign for Familial cancer of breast. Last evaluated: 2024-10-02. Review status: criteria provided, single submitter. Criteria: Myriad Autosomal Dominant, Autosomal Recessive and X-Linked Classification Criteria (2023). Collection method: clinical testing. Allele origin: unknown.
Comment: This variant is considered benign. This variant is a silent/synonymous amino acid change and it is not expected to impact splicing.

Ambry Genetics
Classification: Likely benign for Hereditary cancer-predisposing syndrome. Last evaluated: 2018-01-08. Review status: criteria provided, single submitter. Criteria: Ambry Variant Classification Scheme 2023. Collection method: clinical testing. Allele origin: germline.